The following is an entry in ClinVar:

ClinVar aggregate classification (germline): Uncertain significance (1 of 4 stars; one submission).

Conditions:
Ataxia-telangiectasia syndrome (AT). Also called: AT, COMPLEMENTATION GROUP C; Cerebello-oculocutaneous telangiectasia; Immunodeficiency with ataxia telangiectasia; Ataxia-telangiectasia, complementation group D; ATAXIA-TELANGIECTASIA, FRESNO VARIANT; Ataxia-telangiectasia, complementation group E. Identifiers: Orphanet 100, MedGen C0004135, MONDO:0008840, OMIM 208900.

Allele frequency attached by ClinVar (database versions not stated): gnomAD exomes below 0.00001.
gnomAD v4.1: 2 of 1,614,076 alleles (0.00012%); highest among the groups gnomAD compares: Non-Finnish European, 0.00017%; no homozygotes.

Submission:

Labcorp Genetics (formerly Invitae), Labcorp
Classification: Uncertain significance for Ataxia-telangiectasia syndrome. Last evaluated: 2018-03-01. Review status: criteria provided, single submitter. Criteria: Invitae Variant Classification Sherloc (09022015). Collection method: clinical testing. Allele origin: germline.
Comment: In summary, the available evidence is currently insufficient to determine the role of this variant in disease. Therefore, it has been classified as a Variant of Uncertain Significance. Algorithms developed to predict the effect of missense changes on protein structure and function output the following: SIFT: "Tolerated"; PolyPhen-2: "Benign"; Align-GVGD: "Class C0". The lysine amino acid residue is found in multiple mammalian species, suggesting that this missense change does not adversely affect protein function. These predictions have not been confirmed by published functional studies and their clinical significance is uncertain. This variant has not been reported in the literature in individuals with ATM-related disease. This variant is not present in population databases (ExAC no frequency). This sequence change replaces methionine with lysine at codon 847 of the ATM protein (p.Met847Lys). The methionine residue is moderately conserved and there is a moderate physicochemical difference between methionine and lysine.

NM_000051.4(ATM):c.2540T>A (p.Met847Lys)

Gene: ATM (ATM serine/threonine kinase; plus strand). Cytogenetic location: 11q22.3.
Variant type: single nucleotide variant.
Coding change: c.2540T>A on transcript NM_000051.4 (MANE Select); coding-DNA position 2540, T replaced by A.
Protein change: p.Met847Lys; replaces methionine 847 with lysine.
Molecular consequence: missense variant.
Genome position (GRCh38, 1-based): chr11:108,267,244, T>A. VCF-style: chr11-108267244-T-A. GRCh37 (hg19) VCF-style: chr11-108137971-T-A.
Other names: c.2540T>A, p.Met847Lys (NM_001351834.2); short protein forms M847K.
Identifiers: ClinVar variation 570650 (VCV000570650.8), dbSNP rs1382712243, ClinGen allele CA382543607.